The following is an entry in ClinVar:

NM_020807.3(ZNF319):c.132C>G (p.Pro44=)

Gene: ZNF319 (zinc finger protein 319; minus strand). Cytogenetic location: 16q21.
Variant type: single nucleotide variant.
Coding change: c.132C>G on transcript NM_020807.3 (MANE Select); coding-DNA position 132, C replaced by G.
Protein change: p.Pro44=; no amino-acid change (proline 44 retained).
Molecular consequence: synonymous variant.
Genome position (GRCh38, 1-based): chr16:57,998,134, G>C on the plus strand (C>G on the coding strand, the complement: ZNF319 is on the minus strand). VCF-style: chr16-57998134-G-C. GRCh37 (hg19) VCF-style: chr16-58032038-G-C.
Other names: c.132C>G, p.Pro44= (NM_001384365.1, NM_001384366.1, NM_001384367.1).
Identifiers: ClinVar variation 2646565 (VCV002646565.24), dbSNP rs3743557, ClinGen allele CA8084711.

ClinVar aggregate classification (germline): Likely benign (1 of 4 stars; one submission).

Allele frequency attached by ClinVar (database versions not stated): gnomAD 0.00017; TOPMed 0.00022; ExAC 0.00050; 1000 Genomes Project 30x 0.00094; 1000 Genomes Project 0.00120.
gnomAD v4.1: 418 of 1,593,866 alleles (0.026%); highest among the groups gnomAD compares: East Asian, 0.91%; 5 homozygotes.

Submission:

CeGaT Center for Human Genetics Tuebingen
Classification: Likely benign. Last evaluated: 2022-11-01. Review status: criteria provided, single submitter. Criteria: CeGaT Center For Human Genetics Tuebingen Variant Classification Criteria Version 2. Collection method: clinical testing. Allele origin: germline. Affected: yes. Observed: 1 variant allele.
Comment: ZNF319: BP4, BP7